The following is an entry in ClinVar:

ClinVar aggregate classification (germline): Uncertain significance (1 of 4 stars; one submission).

Allele frequency attached by ClinVar (database versions not stated): gnomAD exomes below 0.00001.
gnomAD v4.1: 2 of 1,614,114 alleles (0.00012%); highest among the groups gnomAD compares: Non-Finnish European, 0.00017%; no homozygotes.

Submission:

GeneDx
Classification: Uncertain significance. Last evaluated: 2020-01-22. Review status: criteria provided, single submitter. Criteria: GeneDx Variant Classification Process June 2021. Collection method: clinical testing. Allele origin: germline. Affected: yes.
Comment: Not observed in large population cohorts (Lek et al., 2016); Nonsense variant predicted to result in protein truncation, although loss-of-function variants have not been reported downstream of this position in the protein; Has not been previously published as pathogenic or benign to our knowledge

NM_001371727.1(GABRB2):c.1372C>T (p.Arg458Ter)

Gene: GABRB2 (gamma-aminobutyric acid type A receptor subunit beta2; minus strand). Cytogenetic location: 5q34.
Variant type: single nucleotide variant.
Coding change: c.1372C>T on transcript NM_001371727.1 (MANE Select); coding-DNA position 1372, C replaced by T.
Protein change: p.Arg458Ter; replaces arginine 458 with a stop codon.
Molecular consequence: nonsense.
Genome position (GRCh38, 1-based): chr5:161,294,248, G>A on the plus strand (C>T on the coding strand, the complement: GABRB2 is on the minus strand). VCF-style: chr5-161294248-G-A. GRCh37 (hg19) VCF-style: chr5-160721255-G-A.
Other names: c.1258C>T, p.Arg420Ter (NM_000813.3); c.1372C>T, p.Arg458Ter (NM_021911.3); short protein forms R420*, R458*.
Identifiers: ClinVar variation 1311721 (VCV001311721.2), dbSNP rs1757317867, ClinGen allele CA362173284.